The following is an entry in ClinVar:

NM_004628.5(XPC):c.1496C>T (p.Ala499Val)

Gene: XPC (XPC complex subunit, DNA damage recognition and repair factor; minus strand). Cytogenetic location: 3p25.1.
Variant type: single nucleotide variant.
Coding change: c.1496C>T on transcript NM_004628.5 (MANE Select); coding-DNA position 1496, C replaced by T.
Protein change: p.Ala499Val; replaces alanine 499 with valine.
Molecular consequence: missense variant. On other transcripts: non-coding transcript variant (2).
Genome position (GRCh38, 1-based): chr3:14,158,387, G>A on the plus strand (C>T on the coding strand, the complement: XPC is on the minus strand). VCF-style: chr3-14158387-G-A. GRCh37 (hg19) VCF-style: chr3-14199887-G-A.
Other names: c.917C>T, p.Ala306Val (NM_001354726.2); c.1496C>T, p.Ala499Val (NM_001354727.2, NM_001354730.2); c.1478C>T, p.Ala493Val (NM_001354729.2); short protein forms A499V, A306V, A493V.
Identifiers: ClinVar variation 135485 (VCV000135485.22), dbSNP rs2228000, ClinGen allele CA162913.
Genomic context (GRCh38, chr3:14,158,387, plus strand): 5'-TTCTCACCATCGCTGCACATTTTCTTGCCTCTTTTACTGCTTGAAGAGCTTGAGGATGCC[G>A]CTGGCAAGCTTGGGTCCTTACGATGGCTCCCACGATGGGTCCTGGAGGCACTCTTGGACC-3'
Protein context (NP_004619.3, residues 489-509): GSHRKDPSLP[Ala499Val]ASSSSSSSKR

ClinVar aggregate classification (germline): Benign/Likely benign. Review status: criteria provided, multiple submitters, no conflicts (2 of 4 stars). 11 submissions from 10 submitters: Benign (9); Likely benign (1). 1 of the submissions does not count toward it. Last evaluated 2026-02-04.

Conditions:
Xeroderma pigmentosum group A (XPA). Also called: Xeroderma pigmentosum, complementation group A; XP, group A; XPA-Related Xeroderma Pigmentosum. Identifiers: Orphanet 910, MedGen C0268135, MONDO:0010210, OMIM 278700.
Xeroderma pigmentosum, group C (XPC). Also called: Xeroderma pigmentosum, complementation group C; XERODERMA PIGMENTOSUM III; XP, GROUP C; XPC-Related Xeroderma Pigmentosum. Identifiers: Orphanet 910, MedGen C2752147, MONDO:0010211, OMIM 278720.

Allele frequency attached by ClinVar (database versions not stated): ESP Exome Variant Server 0.20058; TOPMed 0.20177; gnomAD 0.21224 and 0.21346; 1000 Genomes Project 30x 0.22923; 1000 Genomes Project 0.23303; ExAC 0.23775; gnomAD exomes 0.24352 and 0.24721.
gnomAD v4.1: 393,549 of 1,613,464 alleles (24%); highest among the groups gnomAD compares: East Asian, 35%; 50,315 homozygotes.

Submissions (11):

Labcorp Genetics (formerly Invitae), Labcorp
Classification: Benign. Last evaluated: 2026-02-04. Review status: criteria provided, single submitter. Criteria: Invitae Variant Classification Sherloc (09022015). Collection method: clinical testing. Allele origin: germline.

KCCC/NGS Laboratory, Kuwait Cancer Control Center
Classification: Benign for Xeroderma pigmentosum, group C. Last evaluated: 2025-02-01. Review status: criteria provided, single submitter. Criteria: ACMG Guidelines, 2015. Collection method: clinical testing. Allele origin: germline. Affected: no.

Blueprint Genetics
Classification: Likely benign. Last evaluated: 2024-11-26. Review status: criteria provided, single submitter. Criteria: ACMG Guidelines, 2015. Collection method: clinical testing. Allele origin: germline.

KCCC/NGS Laboratory, Kuwait Cancer Control Center
Classification: Benign for Xeroderma pigmentosum group A. Last evaluated: 2023-07-07. Review status: criteria provided, single submitter. Criteria: ACMG Guidelines, 2015. Collection method: clinical testing. Allele origin: germline. Affected: yes.

Genome-Nilou Lab
Classification: Benign for Xeroderma pigmentosum, group C. Last evaluated: 2021-12-05. Review status: criteria provided, single submitter. Criteria: ACMG Guidelines, 2015. Collection method: clinical testing. Allele origin: germline. Affected: no.

GeneDx
Classification: Benign. Last evaluated: 2019-02-26. Review status: criteria provided, single submitter. Criteria: GeneDx Variant Classification Process June 2021. Collection method: clinical testing. Allele origin: germline. Affected: yes.
Comment: This variant is associated with the following publications: (PMID: 26001739, 23436679, 27153395, 15700316, 20369554, 20193233, 24728327, 23400628, 17575242, 21113018, 19706757, 17882560)

Women's Health and Genetics/Laboratory Corporation of America, LabCorp
Classification: Benign. Last evaluated: 2018-08-27. Review status: criteria provided, single submitter. Criteria: LabCorp Variant Classification Summary - May 2015. Collection method: clinical testing. Allele origin: germline.
Comment: Variant summary: XPC c.1496C>T (p.Ala499Val) results in a non-conservative amino acid change in the encoded protein sequence. Four of five in-silico tools predict a benign effect of the variant on protein function. The variant allele was found at a frequency of 0.24 in 276928 control chromosomes in the gnomAD database, including 8807 homozygotes. The observed variant frequency is approximately 171-folds higher than the estimated maximal expected allele frequency for a pathogenic variant in XPC causing Xeroderma Pigmentosum phenotype (0.0014), strongly suggesting that the variant is benign. The variant has been indicated to be associated with an increased risk of cancer (He_2013). A ClinVar submission from another clinical diagnostic laboratory (evaluation after 2014) cites the variant as benign. Based on the evidence outlined above, the variant was classified as benign.

Illumina Laboratory Services, Illumina
Classification: Benign for Xeroderma pigmentosum, group C. Last evaluated: 2018-03-06. Review status: criteria provided, single submitter. Criteria: ICSL Variant Classification Criteria 13 December 2019. Collection method: clinical testing. Allele origin: germline.
Comment: This variant was observed in the ICSL laboratory as part of a predisposition screen in an ostensibly healthy population. It had not been previously curated by ICSL or reported in the Human Gene Mutation Database (HGMD: prior to June 1st, 2018), and was therefore a candidate for classification through an automated scoring system. Utilizing variant allele frequency, disease prevalence and penetrance estimates, and inheritance mode, an automated score was calculated to assess if this variant is too frequent to cause the disease. Based on the score and internal cut-off values, a variant classified as benign is not then subjected to further curation. The score for this variant resulted in a classification of benign for this disease.

Breakthrough Genomics
Classification: Benign. Review status: criteria provided, single submitter. Criteria: ACMG Guidelines, 2015. Collection method: not provided. Allele origin: germline. Inheritance: Autosomal recessive inheritance. Affected: yes.

PreventionGenetics, part of Exact Sciences
Classification: Benign. Review status: criteria provided, single submitter. Criteria: ACMG Guidelines, 2015. Collection method: clinical testing. Allele origin: germline.

ITMI
No classification provided. Condition: AllHighlyPenetrant. Last evaluated: 2013-09-19. Review status: no classification provided. Collection method: reference population. Allele origin: germline. Not counted in ClinVar's aggregate classification.
Comment: Please see associated publication for description of ethnicities

Literature cited by the submitters: PubMed 23400628 (cited by Women's Health and Genetics/Laboratory Corporation of America, LabCorp); PubMed 24728327 (cited by ITMI).